The following is an entry in ClinVar:

ClinVar aggregate classification (germline): Uncertain significance. Review status: criteria provided, multiple submitters, no conflicts (2 of 4 stars). 2 submissions from 2 submitters: Uncertain significance (2). Last evaluated 2024-02-17.

Conditions:
Inborn genetic diseases. Identifiers: MedGen C0950123, MeSH D030342.
MOGS-congenital disorder of glycosylation. Also called: CDG 2B; CDG IIb; GLUCOSIDASE I DEFICIENCY; MOGS-CDG. Identifiers: Orphanet 79330, MedGen C1853736, MONDO:0011629, OMIM 606056.

Submissions (2):

Labcorp Genetics (formerly Invitae), Labcorp
Classification: Uncertain significance for MOGS-congenital disorder of glycosylation. Last evaluated: 2024-02-17. Review status: criteria provided, single submitter. Criteria: Invitae Variant Classification Sherloc (09022015). Collection method: clinical testing. Allele origin: germline.
Comment: This sequence change replaces glycine, which is neutral and non-polar, with arginine, which is basic and polar, at codon 485 of the MOGS protein (p.Gly485Arg). This variant is not present in population databases (gnomAD no frequency). This variant has not been reported in the literature in individuals affected with MOGS-related conditions. ClinVar contains an entry for this variant (Variation ID: 1468523). Advanced modeling of protein sequence and biophysical properties (such as structural, functional, and spatial information, amino acid conservation, physicochemical variation, residue mobility, and thermodynamic stability) performed at Invitae indicates that this missense variant is not expected to disrupt MOGS protein function with a negative predictive value of 80%. In summary, the available evidence is currently insufficient to determine the role of this variant in disease. Therefore, it has been classified as a Variant of Uncertain Significance.

Ambry Genetics
Classification: Uncertain significance for Inborn genetic diseases. Last evaluated: 2024-01-30. Review status: criteria provided, single submitter. Criteria: Ambry Variant Classification Scheme 2023. Collection method: clinical testing. Allele origin: germline.

NM_006302.3(MOGS):c.1453G>C (p.Gly485Arg)

Gene: MOGS (mannosyl-oligosaccharide glucosidase; minus strand). Cytogenetic location: 2p13.1.
Variant type: single nucleotide variant.
Coding change: c.1453G>C on transcript NM_006302.3 (MANE Select); coding-DNA position 1453, G replaced by C.
Protein change: p.Gly485Arg; replaces glycine 485 with arginine.
Molecular consequence: missense variant.
Genome position (GRCh38, 1-based): chr2:74,462,336, C>G on the plus strand (G>C on the coding strand, the complement: MOGS is on the minus strand). VCF-style: chr2-74462336-C-G. GRCh37 (hg19) VCF-style: chr2-74689463-C-G.
Other names: c.1135G>C, p.Gly379Arg (NM_001146158.2); c.1453G>C (NM_006302.2); short protein forms G379R, G485R.
Identifiers: ClinVar variation 1468523 (VCV001468523.9), dbSNP rs2103978776, ClinGen allele CA347372395.